The following is an entry in ClinVar:

NM_001184.4(ATR):c.2996T>C (p.Leu999Pro)

Gene: ATR (ATR serine/threonine kinase; minus strand). Cytogenetic location: 3q23.
Variant type: single nucleotide variant.
Coding change: c.2996T>C on transcript NM_001184.4 (MANE Select); coding-DNA position 2996, T replaced by C.
Protein change: p.Leu999Pro; replaces leucine 999 with proline.
Molecular consequence: missense variant.
Genome position (GRCh38, 1-based): chr3:142,549,654, A>G on the plus strand (T>C on the coding strand, the complement: ATR is on the minus strand). VCF-style: chr3-142549654-A-G. GRCh37 (hg19) VCF-style: chr3-142268496-A-G.
Other names: c.2804T>C, p.Leu935Pro (NM_001354579.2); short protein forms L935P, L999P.
Identifiers: ClinVar variation 3463424 (VCV003463424.1).

ClinVar aggregate classification (germline): Uncertain significance (1 of 4 stars; one submission).

Conditions:
Inborn genetic diseases. Identifiers: MedGen C0950123, MeSH D030342.

Submission:

Ambry Genetics
Classification: Uncertain significance for Inborn genetic diseases. Last evaluated: 2024-11-14. Review status: criteria provided, single submitter. Criteria: Ambry Variant Classification Scheme 2023. Collection method: clinical testing. Allele origin: germline.
Comment: The p.L999P variant (also known as c.2996T>C), located in coding exon 15 of the ATR gene, results from a T to C substitution at nucleotide position 2996. The leucine at codon 999 is replaced by proline, an amino acid with similar properties. This amino acid position is conserved. In addition, this alteration is predicted to be deleterious by in silico analysis. Based on the available evidence, the clinical significance of this variant remains unclear.